The following is an entry in ClinVar:

ClinVar aggregate classification (germline): Uncertain significance. Review status: reviewed by expert panel (3 of 4 stars). 10 submissions from 10 submitters: Uncertain significance (1). 9 of the submissions do not count toward it. Last evaluated 2026-07-07.

Conditions:
Cardiovascular phenotype. Identifiers: MedGen CN230736.
Glycogen storage disease, type II (IOPD). Also called: Glycogen storage disease type 2; Acid maltase deficiency disease; Aglucosidase alfa; Deficiency of alpha-glucosidase; Deficiency of lysosomal alpha-glucosidase; CARDIOMEGALIA GLYCOGENICA DIFFUSA. Identifiers: Orphanet 365, MedGen C0017921, MONDO:0009290, OMIM 232300.

Allele frequency attached by ClinVar (database versions not stated): TOPMed below 0.00001; gnomAD 0.00001 and 0.00003; gnomAD exomes 0.00006 and 0.00007; ExAC 0.00008; ESP Exome Variant Server 0.00008; 1000 Genomes Project 30x 0.00016; 1000 Genomes Project 0.00020.
gnomAD v4.1: 85 of 1,610,654 alleles (0.0053%); highest among the groups gnomAD compares: South Asian, 0.042%; no homozygotes.

Submissions (10):

ClinGen Lysosomal Storage Disorder Variant Curation Expert Panel
Classification: Uncertain significance for Glycogen storage disease, type II. Last evaluated: 2026-07-07. Review status: reviewed by expert panel. Criteria: clingen_lsd_acmg_specifications_v2-1. Collection method: curation. Allele origin: germline. Inheritance: Autosomal recessive inheritance.
Comment: The NM_000152.5:c.615G>A variant in GAA is a synonymous (silent) variant (p.Pro205=) that is not predicted to impact splicing based on the computational splice predictor SpliceAI (BP4). Further, it is not in a position that is highly conserved (BP7). This variant has not been reported in a patient with Pompe disease to our knowledge. The highest population minor allele frequency in gnomAD v4.0. is 0.0004172 (38/91082 alleles) in the South Asian population. This is lower than the ClinGen Lysosomal Diseases VCEP’s threshold for PM2_Supporting (<0.001), meeting this criterion (PM2_Supporting). There is a ClinVar entry for this variant (ClinVar Variation ID: 196223). Due to conflicting evidence, this variant is classified as a variant of uncertain significance for Pompe disease based on the GAA-specific ACMG/AMP criteria applied, as specified by the ClinGen Lysosomal Diseases Variant Curation Expert Panel (Specifications version 2.0): BP4, BP7, PM2_supporting. (Classification approved by the ClinGen Lysosomal Diseases Variant Curation Expert Panel on July 7, 2026)

Labcorp Genetics (formerly Invitae), Labcorp
Classification: Likely benign for Glycogen storage disease, type II. Last evaluated: 2025-11-22. Review status: criteria provided, single submitter. Criteria: Invitae Variant Classification Sherloc (09022015). Collection method: clinical testing. Allele origin: germline. Not counted in ClinVar's aggregate classification.

Revvity Omics, Revvity
Classification: Uncertain significance. Last evaluated: 2025-06-04. Review status: criteria provided, single submitter. Criteria: ACMG Guidelines, 2015. Collection method: clinical testing. Allele origin: germline. Not counted in ClinVar's aggregate classification.

Blueprint Genetics
Classification: Likely benign. Last evaluated: 2024-02-28. Review status: criteria provided, single submitter. Criteria: ACMG Guidelines, 2015. Collection method: clinical testing. Allele origin: germline. Not counted in ClinVar's aggregate classification.

CeGaT Center for Human Genetics Tuebingen
Classification: Likely benign. Last evaluated: 2023-08-01. Review status: criteria provided, single submitter. Criteria: CeGaT Center For Human Genetics Tuebingen Variant Classification Criteria Version 2. Collection method: clinical testing. Allele origin: germline. Affected: yes. Observed: 1 variant allele. Not counted in ClinVar's aggregate classification.
Comment: GAA: BP4, BP7

Genome-Nilou Lab
Classification: Likely benign for Glycogen storage disease, type II. Last evaluated: 2021-07-22. Review status: criteria provided, single submitter. Criteria: ACMG Guidelines, 2015. Collection method: clinical testing. Allele origin: germline. Affected: no. Not counted in ClinVar's aggregate classification.

Ambry Genetics
Classification: Likely benign for Cardiovascular phenotype. Last evaluated: 2020-12-07. Review status: criteria provided, single submitter. Criteria: Ambry Variant Classification Scheme 2023. Collection method: clinical testing. Allele origin: germline. Not counted in ClinVar's aggregate classification.

GeneDx
Classification: Likely benign. Last evaluated: 2019-01-29. Review status: criteria provided, single submitter. Criteria: GeneDx Variant Classification Process June 2021. Collection method: clinical testing. Allele origin: germline. Affected: yes. Not counted in ClinVar's aggregate classification.

Eurofins Ntd Llc (ga)
Classification: Uncertain significance. Last evaluated: 2015-04-15. Review status: criteria provided, single submitter. Criteria: EGL Classification Definitions 2015. Collection method: clinical testing. Allele origin: germline. Observed: 2 variant alleles, 2 heterozygotes. Not counted in ClinVar's aggregate classification.

Natera, Inc.
Classification: Likely benign for Glycogen storage disease type II. Last evaluated: 2021-02-08. Review status: no assertion criteria provided. Collection method: clinical testing. Allele origin: germline. Not counted in ClinVar's aggregate classification.

NM_000152.5(GAA):c.615G>A (p.Pro205=)

Gene: GAA (alpha glucosidase; plus strand). Cytogenetic location: 17q25.3.
Variant type: single nucleotide variant.
Coding change: c.615G>A on transcript NM_000152.5 (MANE Select); coding-DNA position 615, G replaced by A.
Protein change: p.Pro205=; no amino-acid change (proline 205 retained).
Molecular consequence: synonymous variant.
Genome position (GRCh38, 1-based): chr17:80,105,817, G>A. VCF-style: chr17-80105817-G-A. GRCh37 (hg19) VCF-style: chr17-78079616-G-A.
Other names: NM_000152.5(GAA):c.615G>A; p.Pro205=; c.615G>A, p.Pro205= (NM_001079803.3, NM_001079804.3).
Identifiers: ClinVar variation 196223 (VCV000196223.55), dbSNP rs141427808, ClinGen allele CA243111.